The following is an entry in ClinVar:

NM_000152.5(GAA):c.1050_1051del (p.Val351fs)

Gene: GAA (alpha glucosidase; plus strand). Cytogenetic location: 17q25.3.
Variant type: Deletion.
Coding change: c.1050_1051del on transcript NM_000152.5 (MANE Select); coding-DNA positions 1050 to 1051, 2 bases deleted (GG; older notation c.1050_1051delGG).
Protein change: p.Val351fs; shifts the reading frame from valine 351.
Molecular consequence: frameshift variant.
Genome position (GRCh38, 1-based): chr17:80,108,384-80,108,385, GG deleted. VCF-style (leftmost placement, unchanged base first): chr17-80108383-TGG-T. GRCh37 (hg19) VCF-style: chr17-78082182-TGG-T.
Other names: c.1050_1051del, p.Val351fs (NM_001079803.3, NM_001079804.3, NM_001406741.1 and 1 more transcripts); short protein forms V351fs.
Identifiers: ClinVar variation 4876286 (VCV004876286.1).

ClinVar aggregate classification (germline): Pathogenic (1 of 4 stars; one submission).

Conditions:
Glycogen storage disease, type II (IOPD). Also called: Pompe Disease; CARDIOMEGALIA GLYCOGENICA DIFFUSA; GLYCOGENOSIS, GENERALIZED, CARDIAC FORM; GSD II; POMPE DISEASE, INFANTILE-ONSET; GLYCOGEN STORAGE DISEASE II, INFANTILE-ONSET. Identifiers: Orphanet 365, MedGen C0017921, MONDO:0009290, OMIM 232300.

Submission:

Genomenon, Inc
Classification: Pathogenic for Glycogen storage disease, type II. Last evaluated: 2026-07-01. Review status: criteria provided, single submitter. Criteria: Genomenon Sequence Variant Interpretation Standards - Updated. Collection method: curation. Allele origin: germline. Affected: yes.
Comment: GAA p.Val351AlafsTer154 (c.1050_1051del) is a frameshift variant that is predicted to introduce a premature termination codon and result in a truncated or absent protein product. This variant has been observed in at least one proband with a GAA-related disorder (PMID:29181627). It is absent or not present at a significant frequency in gnomAD. In conclusion, we classify GAA p.Val351AlafsTer154 (c.1050_1051del) as a pathogenic variant.

Literature cited by the submitters: PubMed 29181627.